The following is an entry in ClinVar:

ClinVar aggregate classification (germline): Pathogenic (1 of 4 stars; one submission).

Conditions:
Severe combined immunodeficiency, autosomal recessive, T cell-negative, B cell-negative, NK cell-positive. Also called: SCID, T CELL-NEGATIVE, B CELL-NEGATIVE, NK CELL-POSITIVE; SCID, AR, T-cell negative, B-cell negative, NK cell-positive; Severe combined immunodeficiency due to complete RAG1/2 deficiency. Identifiers: Orphanet 331206, MedGen C1832322, MONDO:0011086, OMIM 601457.
Combined immunodeficiency with skin granulomas. Identifiers: Orphanet 157949, MedGen C2673536, MONDO:0009306, OMIM 233650.

Submission:

Labcorp Genetics (formerly Invitae), Labcorp
Classification: Pathogenic for Combined immunodeficiency with skin granulomas; Severe combined immunodeficiency, autosomal recessive, T cell-negative, B cell-negative, NK cell-positive. Last evaluated: 2023-06-09. Review status: criteria provided, single submitter. Criteria: Invitae Variant Classification Sherloc (09022015). Collection method: clinical testing. Allele origin: germline.
Comment: For these reasons, this variant has been classified as Pathogenic. This variant disrupts a region of the RAG1 protein in which other variant(s) (p.His994Arg) have been determined to be pathogenic (PMID: 33193364; Invitae). This suggests that this is a clinically significant region of the protein, and that variants that disrupt it are likely to be disease-causing. This variant has not been reported in the literature in individuals affected with RAG1-related conditions. Information on the frequency of this variant in the gnomAD database is not available, as this variant may be reported differently in the database. This sequence change creates a premature translational stop signal (p.Asp587Asnfs*5) in the RAG1 gene. While this is not anticipated to result in nonsense mediated decay, it is expected to disrupt the last 457 amino acid(s) of the RAG1 protein.

Literature cited by the submitters: PubMed 33193364.

NM_000448.3(RAG1):c.1758_1760delinsGAATC (p.Asp587fs)

Gene: RAG1 (recombination activating 1; plus strand). Cytogenetic location: 11p12.
Variant type: Indel.
Coding change: c.1758_1760delinsGAATC on transcript NM_000448.3 (MANE Select); coding-DNA positions 1758 to 1760, TGA replaced by GAATC.
Protein change: p.Asp587fs; shifts the reading frame from aspartic acid 587.
Molecular consequence: frameshift variant.
Genome position (GRCh38, 1-based): chr11:36,575,062-36,575,064, TGA replaced by GAATC. VCF-style: chr11-36575062-TGA-GAATC. GRCh37 (hg19) VCF-style: chr11-36596612-TGA-GAATC.
Other names: c.1758_1760delinsGAATC, p.Asp587fs (NM_001377277.1, NM_001377278.1, NM_001377279.1 and 1 more transcripts); short protein forms D587fs.
Identifiers: ClinVar variation 2940333 (VCV002940333.3), dbSNP rs2494757458, ClinGen allele CA2695213738.
Genomic context (GRCh38, chr11:36,575,062, plus strand): 5'-GGTGTCTGCTTTGATGGACATGGAAGAAGACATCTTGGAAGGCATGAGATCCCAAGACCT[TGA>GAATC]TGATTACCTGAATGGCCCCTTCACTGTGGTGGTGAAGGAGTCTTGTGATGGAATGGGAGA-3'